The following is an entry in ClinVar:

ClinVar aggregate classification (germline): Likely benign (1 of 4 stars; one submission).

Submission:

Institute of Human Genetics, University of Goettingen
Classification: Likely benign. Last evaluated: 2017-01-04. Review status: criteria provided, single submitter. Criteria: Institute of Human Genetics, HUG, CNV Assertion criteria, 20170113. Collection method: clinical testing. Allele origin: maternal. Affected: yes. Observed: 2 variant alleles.

GRCh37/hg19 11p15.1(chr11:17899742-18258290)x3

Genes: SAA2-SAA4 (SAA2-SAA4 readthrough; minus strand), SAA4 (serum amyloid A4, constitutive; minus strand), SAAL1 (serum amyloid A like 1; minus strand), SERGEF (secretion regulating guanine nucleotide exchange factor; minus strand), TPH1 (tryptophan hydroxylase 1; minus strand) and 3 more. Cytogenetic location: 11p15.1.
Variant type: copy number gain.
Change: copy number 3 (three copies instead of two) of chr11:17,899,742-18,258,290 (358.5 kb, GRCh37 coordinates, 1-based), cytogenetic band 11p15.1.
Identifiers: ClinVar variation 424640 (VCV000424640.3).